The following is an entry in ClinVar:

NM_005859.5(PURA):c.387dup (p.Pro130fs)

Genes: PURA (purine rich element binding protein A; plus strand), LOC129994826 (ATAC-STARR-seq lymphoblastoid active region 23260; plus strand). Cytogenetic location: 5q31.3.
Variant type: Duplication.
Coding change: c.387dup on transcript NM_005859.5 (MANE Select); coding-DNA position 387, one base duplicated (G; older notation c.387dupG).
Protein change: p.Pro130fs; shifts the reading frame from proline 130.
Molecular consequence: frameshift variant.
Genome position (GRCh38, 1-based): chr5:140,114,568, G duplicated. VCF-style (leftmost placement, unchanged base first): chr5-140114567-C-CG. GRCh37 (hg19) VCF-style: chr5-139494152-C-CG.
Other names: short protein forms P130fs.
Identifiers: ClinVar variation 1452546 (VCV001452546.6), dbSNP rs2126749006, ClinGen allele CA2573139226.

ClinVar aggregate classification (germline): Pathogenic (1 of 4 stars; one submission).

Conditions:
PURA-related severe neonatal hypotonia-seizures-encephalopathy syndrome (NEDRIHF). Also called: NEURODEVELOPMENTAL DISORDER WITH NEONATAL RESPIRATORY INSUFFICIENCY, HYPOTONIA, AND FEEDING DIFFICULTIES; PURA-Related Neurodevelopmental Disorders. Identifiers: Orphanet 438213, Orphanet 438216, MedGen C4015357, MONDO:1060108, OMIM 616158, MONDO:0018580.

Submission:

Labcorp Genetics (formerly Invitae), Labcorp
Classification: Pathogenic for PURA-related severe neonatal hypotonia-seizures-encephalopathy syndrome. Last evaluated: 2024-10-25. Review status: criteria provided, single submitter. Criteria: Invitae Variant Classification Sherloc (09022015). Collection method: clinical testing. Allele origin: germline.
Comment: This sequence change creates a premature translational stop signal (p.Pro130Alafs*71) in the PURA gene. While this is not anticipated to result in nonsense mediated decay, it is expected to disrupt the last 193 amino acid(s) of the PURA protein. This variant is not present in population databases (gnomAD no frequency). This variant has not been reported in the literature in individuals affected with PURA-related conditions. ClinVar contains an entry for this variant (Variation ID: 1452546). This variant disrupts a region of the PURA protein in which other variant(s) (p.Tyr240*) have been determined to be pathogenic (internal data). This suggests that this is a clinically significant region of the protein, and that variants that disrupt it are likely to be disease-causing. For these reasons, this variant has been classified as Pathogenic.